The following is an entry in ClinVar:

NM_012452.3(TNFRSF13B):c.431C>G (p.Ser144Ter)

Gene: TNFRSF13B (TNF receptor superfamily member 13B; minus strand). Cytogenetic location: 17p11.2.
Variant type: single nucleotide variant.
Coding change: c.431C>G on transcript NM_012452.3 (MANE Select); coding-DNA position 431, C replaced by G.
Protein change: p.Ser144Ter; replaces serine 144 with a stop codon.
Molecular consequence: nonsense.
Genome position (GRCh38, 1-based): chr17:16,948,752, G>C on the plus strand (C>G on the coding strand, the complement: TNFRSF13B is on the minus strand). VCF-style: chr17-16948752-G-C. GRCh37 (hg19) VCF-style: chr17-16852066-G-C.
Other names: short protein forms S144*.
Identifiers: ClinVar variation 265340 (VCV000265340.65), dbSNP rs104894650, ClinGen allele CA8414017.
Genomic context (GRCh38, chr17:16,948,752, plus strand): 5'-TTCTCACCCTGCGTGACACCATGCAGGTTTGCCTTGGGTGGCTTACCTGGACTTGCTTCT[G>C]AGCCTCTGTGCTCCAATCCTTGGTACCTTCCCGAGTTGTCTGAATTGTTTTCAACTTCTC-3'

ClinVar aggregate classification (germline): Pathogenic/Likely pathogenic. Review status: criteria provided, multiple submitters, no conflicts (2 of 4 stars). 12 submissions from 11 submitters: Pathogenic (9); Likely pathogenic (1). 2 of the submissions do not count toward it. Last evaluated 2026-01-14.

Conditions:
Immunodeficiency, common variable, 2 (CVID2). Also called: ANTIBODY DEFICIENCY DUE TO TACI DEFECT; HYPOGAMMAGLOBULINEMIA DUE TO TACI DEFICIENCY. Identifiers: Orphanet 1572, MedGen C3150354, MONDO:0009413, OMIM 240500.
Immunoglobulin A deficiency 2 (IGAD2). Identifiers: MedGen C1836032, MONDO:0012291, OMIM 609529.
Immunodeficiency, common variable, 1. Also called: ANTIBODY DEFICIENCY DUE TO ICOS DEFECT. Identifiers: Orphanet 1572, Orphanet 695183, MedGen C3149378, MONDO:0011864, OMIM 607594.

Allele frequency attached by ClinVar (database versions not stated): TOPMed 0.00009.
gnomAD v4.1: 68 of 1,613,948 alleles (0.0042%); highest among the groups gnomAD compares: Non-Finnish European, 0.0054%; no homozygotes.

Submissions (12):

Labcorp Genetics (formerly Invitae), Labcorp
Classification: Pathogenic for Immunodeficiency, common variable, 2. Last evaluated: 2026-01-14. Review status: criteria provided, single submitter. Criteria: Invitae Variant Classification Sherloc (09022015). Collection method: clinical testing. Allele origin: germline.
Comment: This sequence change creates a premature translational stop signal (p.Ser144*) in the TNFRSF13B gene. It is expected to result in an absent or disrupted protein product. Loss-of-function variants in TNFRSF13B are known to be pathogenic (PMID: 16007087, 27123465). This variant is present in population databases (rs104894650, gnomAD 0.009%). This premature translational stop signal has been observed in individual(s) with autoimmune lymphoproliferative syndrome and common variable immunodeficiency (PMID: 25569260, 27123465). ClinVar contains an entry for this variant (Variation ID: 265340). For these reasons, this variant has been classified as Pathogenic.

First Genomix Gene Laboratory, Genetic Diagnostics Department
Classification: Pathogenic for Immunodeficiency, common variable, 2; Immunoglobulin A deficiency 2. Last evaluated: 2025-12-28. Review status: criteria provided, single submitter. Criteria: ACMG Guidelines, 2015. Collection method: clinical testing. Allele origin: germline. Inheritance: Autosomal recessive inheritance. Affected: no. Observed: 1 variant allele.

3billion
Classification: Pathogenic for Immunodeficiency, common variable, 2. Last evaluated: 2025-12-23. Review status: criteria provided, single submitter. Criteria: ACMG Guidelines, 2015. Collection method: clinical testing. Allele origin: germline. Affected: yes.
Comment: The variant is observed at an extremely low frequency in the gnomAD v4.1.0 dataset (total allele frequency: 0.004%). Predicted Consequence/Location: Stop-gained (nonsense): predicted to result in a loss or disruption of normal protein function through nonsense-mediated decay (NMD) or protein truncation. Multiple pathogenic variants are reported downstream of the variant. The variant has been reported at least twice as pathogenic with clinical assertions and evidence for the classification (ClinVar ID: VCV000265340). Therefore, this variant is classified as Pathogenic according to the recommendation of ACMG/AMP guideline.

Dasa
Classification: Pathogenic. Last evaluated: 2025-12-01. Review status: criteria provided, single submitter. Criteria: DASA Assertion Criteria. Collection method: clinical testing. Allele origin: germline.
Comment: NM_012452.3(TNFRSF13B):c.431C>G (p.Ser144*) introduces a premature termination codon predicted to result in loss of normal protein function. Loss-of-function is an established mechanism of disease for this gene. This variant has been observed in affected individuals with related phenotype in a genotype context consistent with recessive disease (PMID: 27123465; PMID: 18981294; PMID: 1600708; PMID: 25569260; PMID: 33838017). Functional evidence supports a deleterious effect on the gene or gene product (PMID: 27123465; PMID: 18981294; PMID: 1600708; PMID: 25569260; PMID: 33838017). This variant has been recurrently observed in individuals with related phenotype (PMID: 27123465; PMID: 18981294; PMID: 1600708; PMID: 25569260; PMID: 33838017). The variant is present at low frequency in population datasets. Based on the available data, this variant is classified as pathogenic.

Institute of Human Genetics, University of Leipzig Medical Center
Classification: Pathogenic for Immunodeficiency, common variable, 2. Last evaluated: 2025-07-14. Review status: criteria provided, single submitter. Criteria: ACMG Guidelines, 2015. Collection method: clinical testing. Allele origin: unknown. Inheritance: Autosomal dominant inheritance. Affected: yes.
Comment: Criteria applied: PVS1,PS4_MOD

CeGaT Center for Human Genetics Tuebingen
Classification: Pathogenic. Last evaluated: 2025-03-01. Review status: criteria provided, single submitter. Criteria: CeGaT Center For Human Genetics Tuebingen Variant Classification Criteria Version 2. Collection method: clinical testing. Allele origin: germline. Affected: yes. Observed: 5 variant alleles.
Comment: TNFRSF13B: PVS1, PM3, PM2:Supporting

Baylor Genetics
Classification: Pathogenic for Immunodeficiency, common variable, 2. Last evaluated: 2024-01-10. Review status: criteria provided, single submitter. Criteria: ACMG Guidelines, 2015. Collection method: clinical testing. Allele origin: unknown.

GeneDx
Classification: Pathogenic. Last evaluated: 2023-05-30. Review status: criteria provided, single submitter. Criteria: GeneDx Variant Classification Process June 2021. Collection method: clinical testing. Allele origin: germline. Affected: yes.
Comment: Identified with two other TNFRSF13B variants in a patient with common variable immunodeficiency disorder, however, it is unclear if parental segregation studies were done to confirm the phase of these variants (Pulvirenti et al., 2016); Identified in the heterozygous state in an individual with autoimmunity/lymphoproliferation and severe hypogammaglobulinemia, however this variant was also detected in the heterozygous state in this individual's unaffected mother and sibling. This patient also harbored a heterozygous variant in the CASP9 gene (Clemente et al., 2015); Nonsense variant predicted to result in protein truncation or nonsense mediated decay in a gene for which loss-of-function is a known mechanism of disease; This variant is associated with the following publications: (PMID: 31589614, 28249164, 33859323, 25569260, 27123465)

ARUP Laboratories, Molecular Genetics and Genomics, ARUP Laboratories
Classification: Pathogenic. Last evaluated: 2019-06-18. Review status: criteria provided, single submitter. Criteria: ARUP Molecular Germline Variant Investigation Process. Collection method: clinical testing. Allele origin: germline.
Comment: The TNFRSF13B c.431C>G; p.Ser144Ter variant (rs104894650) is reported in the literature in the compound heterozygous state in individuals affected with primary antibody deficiency syndromes (Brignier 2015, Pulvirenti 2016), and reported in the heterozygous state in unaffected relatives (Clemente 2015). This variant is reported as pathogenic in ClinVar (Variation ID: 265340), and is found in the general population with an overall allele frequency of 0.0056% (14/251478 alleles) in the Genome Aggregation Database. This variant induces an early termination codon and is predicted to result in a truncated protein or mRNA subject to nonsense-mediated decay. Additionally, another nonsense variant at this nucleotide (c.431C>A; p.Ser144Ter) has been reported in the homozygous state in two siblings with common variable immunodeficiency (Salzer 2005). Functional studies of cells from these patients demonstrate a lack of mRNA and protein expression leading to severe B cell defects (Romberg 2013, Salzer 2005). Based on available information, this variant is considered to be pathogenic. References: Brignier AC et al. Early-onset hypogammaglobulinemia: A survey of 44 patients. J Allergy Clin Immunol. 2015 Oct;136(4):1097-9.e2. Clemente N et al. A mutation in caspase-9 decreases the expression of BAFFR and ICOS in patients with immunodeficiency and lymphoproliferation. Genes Immun. 2015 Mar;16(2):151-61. Pulvirenti F et al. Clinical Associations of Biallelic and Monoallelic TNFRSF13B Variants in Italian Primary Antibody Deficiency Syndromes. J Immunol Res. 2016;2016:8390356. Romberg N et al. CVID-associated TACI mutations affect autoreactive B cell selection and activation. J Clin Invest. 2013 Oct;123(10):4283-93. Salzer U et al. Mutations in TNFRSF13B encoding TACI are associated with common variable immunodeficiency in humans. Nat Genet. 2005 Aug;37(8):820-8.

Juno Genomics, Hangzhou Juno Genomics, Inc
Classification: Likely pathogenic for Immunodeficiency, common variable, 2; Immunoglobulin A deficiency 2. Review status: criteria provided, single submitter. Criteria: ACMG Guidelines, 2015. Collection method: clinical testing. Allele origin: germline.
Comment: Null variant in a gene where loss of function (LOF) is a known mechanism of disease.;Absent from controls (or at extremely low frequency if recessive) in Genome Aggregation Database.

Clinic of Clinical Immunology with Stem Cell Bank, Expert Centre for Rare Diseases - PID, University Hospital "Alexandrovska"
Classification: Pathogenic for Immunodeficiency, common variable, 1. Last evaluated: 2022-05-01. Review status: no assertion criteria provided. Collection method: clinical testing. Allele origin: germline. Affected: yes. Not counted in ClinVar's aggregate classification.

Clinic of Clinical Immunology with Stem Cell Bank, Expert Centre for Rare Diseases - PID, University Hospital "Alexandrovska"
Classification: Pathogenic for Immunodeficiency, common variable, 2. Review status: no assertion criteria provided. Collection method: clinical testing. Allele origin: germline. Not counted in ClinVar's aggregate classification.

Literature cited by the submitters: PubMed 16007087 (cited by Labcorp Genetics (formerly Invitae), Labcorp); PubMed 27123465 (cited by Labcorp Genetics (formerly Invitae), Labcorp and Dasa); PubMed 25569260 (cited by Labcorp Genetics (formerly Invitae), Labcorp and Dasa); PubMed 18981294 (cited by Dasa); PubMed 1600708 (cited by Dasa); PubMed 33838017 (cited by Dasa); PubMed 24051380 (cited by Dasa).